The following is an entry in ClinVar:

ClinVar aggregate classification (germline): Uncertain significance (1 of 4 stars; one submission).

Conditions:
Noonan syndrome 9 (NS9). Identifiers: Orphanet 648, MedGen C4225282, MONDO:0014691, OMIM 616559.

gnomAD v4.1: 2 of 1,560,380 alleles (0.00013%); highest among the groups gnomAD compares: South Asian, 0.0011%; no homozygotes.

Submission:

Labcorp Genetics (formerly Invitae), Labcorp
Classification: Uncertain significance for Noonan syndrome 9. Last evaluated: 2024-03-16. Review status: criteria provided, single submitter. Criteria: Invitae Variant Classification Sherloc (09022015). Collection method: clinical testing. Allele origin: germline.
Comment: This sequence change replaces isoleucine, which is neutral and non-polar, with valine, which is neutral and non-polar, at codon 716 of the SOS2 protein (p.Ile716Val). This variant is not present in population databases (gnomAD no frequency). This variant has not been reported in the literature in individuals affected with SOS2-related conditions. Advanced modeling of protein sequence and biophysical properties (such as structural, functional, and spatial information, amino acid conservation, physicochemical variation, residue mobility, and thermodynamic stability) performed at Invitae indicates that this missense variant is not expected to disrupt SOS2 protein function with a negative predictive value of 95%. In summary, the available evidence is currently insufficient to determine the role of this variant in disease. Therefore, it has been classified as a Variant of Uncertain Significance.

NM_006939.4(SOS2):c.2146A>G (p.Ile716Val)

Gene: SOS2 (SOS Ras/Rho guanine nucleotide exchange factor 2; minus strand). Cytogenetic location: 14q21.3.
Variant type: single nucleotide variant.
Coding change: c.2146A>G on transcript NM_006939.4 (MANE Select); coding-DNA position 2146, A replaced by G.
Protein change: p.Ile716Val; replaces isoleucine 716 with valine.
Molecular consequence: missense variant.
Genome position (GRCh38, 1-based): chr14:50,153,085, T>C on the plus strand (A>G on the coding strand, the complement: SOS2 is on the minus strand). VCF-style: chr14-50153085-T-C. GRCh37 (hg19) VCF-style: chr14-50619803-T-C.
Other names: c.2047A>G, p.Ile683Val (NM_001411020.1); short protein forms I683V, I716V.
Identifiers: ClinVar variation 3674889 (VCV003674889.2).